The following is an entry in ClinVar:

NM_005739.4(RASGRP1):c.871T>C (p.Phe291Leu)

Gene: RASGRP1 (RAS guanyl releasing protein 1; minus strand). Cytogenetic location: 15q14.
Variant type: single nucleotide variant.
Coding change: c.871T>C on transcript NM_005739.4 (MANE Select); coding-DNA position 871, T replaced by C.
Protein change: p.Phe291Leu; replaces phenylalanine 291 with leucine.
Molecular consequence: missense variant.
Genome position (GRCh38, 1-based): chr15:38,511,699, A>G on the plus strand (T>C on the coding strand, the complement: RASGRP1 is on the minus strand). VCF-style: chr15-38511699-A-G. GRCh37 (hg19) VCF-style: chr15-38803900-A-G.
Other names: c.871T>C, p.Phe291Leu (NM_001128602.2, NM_001306086.2); short protein forms F291L.
Identifiers: ClinVar variation 1496642 (VCV001496642.6), dbSNP rs2141112962, ClinGen allele CA391651050.
Genomic context (GRCh38, chr15:38,511,699, plus strand): 5'-CCTTGAGCCTCGAGATTGAGCTGTGACACAGCCCACCTATCACAGCCATCAGTGTATTGA[A>G]GTTCTGTAGTTGGTGGAGCTTCTGTGACACAGAAGACAGATGACAGCAGAGTCACTGTAC-3'
Protein context (NP_005730.2, residues 281-301): VAQKLHQLQN[Phe291Leu]NTLMAVIGGL

ClinVar aggregate classification (germline): Uncertain significance (1 of 4 stars; one submission).

Submission:

Labcorp Genetics (formerly Invitae), Labcorp
Classification: Uncertain significance. Last evaluated: 2021-08-27. Review status: criteria provided, single submitter. Criteria: Invitae Variant Classification Sherloc (09022015). Collection method: clinical testing. Allele origin: germline.
Comment: This variant has not been reported in the literature in individuals affected with RASGRP1-related conditions. In summary, the available evidence is currently insufficient to determine the role of this variant in disease. Therefore, it has been classified as a Variant of Uncertain Significance. Algorithms developed to predict the effect of missense changes on protein structure and function are either unavailable or do not agree on the potential impact of this missense change (SIFT: "Deleterious"; PolyPhen-2: "Probably Damaging"; Align-GVGD: "Class C0"). This variant is not present in population databases (ExAC no frequency). This sequence change replaces phenylalanine with leucine at codon 291 of the RASGRP1 protein (p.Phe291Leu). The phenylalanine residue is highly conserved and there is a small physicochemical difference between phenylalanine and leucine.